The following is an entry in ClinVar:

ClinVar aggregate classification (germline): Uncertain significance (1 of 4 stars; one submission).

Submission:

Mayo Clinic Laboratories, Mayo Clinic
Classification: Uncertain significance. Last evaluated: 2022-03-31. Review status: criteria provided, single submitter. Criteria: ACMG Guidelines, 2015. Collection method: clinical testing. Allele origin: germline. Observed: 1 variant allele.
Comment: BP4, PM2

NM_001267550.2(TTN):c.713A>C (p.Glu238Ala)

Gene: TTN (titin; minus strand). Cytogenetic location: 2q31.2.
Variant type: single nucleotide variant.
Coding change: c.713A>C on transcript NM_001267550.2 (MANE Select); coding-DNA position 713, A replaced by C.
Protein change: p.Glu238Ala; replaces glutamic acid 238 with alanine.
Molecular consequence: missense variant.
Genome position (GRCh38, 1-based): chr2:178,799,688, T>G on the plus strand (A>C on the coding strand, the complement: TTN is on the minus strand). VCF-style: chr2-178799688-T-G. GRCh37 (hg19) VCF-style: chr2-179664415-T-G.
Other names: p.Glu238Ala; c.713A>C, p.Glu238Ala (NM_001256850.1, NM_003319.4, NM_133378.4 and 3 more transcripts); short protein forms E238A.
Identifiers: ClinVar variation 2682800 (VCV002682800.1), dbSNP rs2534311502, ClinGen allele CA349523988.